The following is an entry in ClinVar:

NM_002894.3(RBBP8):c.1902T>C (p.Cys634=)

Gene: RBBP8 (RB binding protein 8, endonuclease; plus strand). Cytogenetic location: 18q11.2.
Variant type: single nucleotide variant.
Coding change: c.1902T>C on transcript NM_002894.3 (MANE Select); coding-DNA position 1902, T replaced by C.
Protein change: p.Cys634=; no amino-acid change (cysteine 634 retained).
Molecular consequence: synonymous variant.
Genome position (GRCh38, 1-based): chr18:22,993,810, T>C. VCF-style: chr18-22993810-T-C. GRCh37 (hg19) VCF-style: chr18-20573773-T-C.
Other names: c.1902T>C, p.Cys634= (NM_203291.2, NM_203292.2).
Identifiers: ClinVar variation 212020 (VCV000212020.34), dbSNP rs201620586, ClinGen allele CA207371.

ClinVar aggregate classification (germline): Likely benign. Review status: criteria provided, multiple submitters, no conflicts (2 of 4 stars). 5 submissions from 5 submitters: Likely benign (5). Last evaluated 2025-01-07.

Conditions:
RBBP8-related disorder. Also called: RBBP8-Related Disorders; RBBP8-related condition. Identifiers: MedGen CN239300.

Allele frequency attached by ClinVar (database versions not stated): ExAC 0.00004; gnomAD 0.00004; gnomAD exomes 0.00004 and 0.00006; TOPMed 0.00004; 1000 Genomes Project 0.00020; 1000 Genomes Project 30x 0.00031.
gnomAD v4.1: 106 of 1,613,520 alleles (0.0066%); highest among the groups gnomAD compares: Middle Eastern, 0.96%; 5 homozygotes.

Submissions (5):

PreventionGenetics, part of Exact Sciences
Classification: Likely benign for RBBP8-related condition. Last evaluated: 2025-01-07. Review status: criteria provided, single submitter. Criteria: ACMG Guidelines, 2015. Collection method: clinical testing. Allele origin: germline.
Comment: This variant is classified as likely benign based on ACMG/AMP sequence variant interpretation guidelines (Richards et al. 2015 PMID: 25741868, with internal and published modifications).

CeGaT Center for Human Genetics Tuebingen
Classification: Likely benign. Last evaluated: 2024-05-01. Review status: criteria provided, single submitter. Criteria: CeGaT Center For Human Genetics Tuebingen Variant Classification Criteria Version 2. Collection method: clinical testing. Allele origin: germline. Affected: yes. Observed: 1 variant allele.
Comment: RBBP8: BP4, BP7

Blueprint Genetics
Classification: Likely benign. Last evaluated: 2024-03-19. Review status: criteria provided, single submitter. Criteria: ACMG Guidelines, 2015. Collection method: clinical testing. Allele origin: germline.

Labcorp Genetics (formerly Invitae), Labcorp
Classification: Likely benign. Last evaluated: 2023-11-04. Review status: criteria provided, single submitter. Criteria: Invitae Variant Classification Sherloc (09022015). Collection method: clinical testing. Allele origin: germline.

Genetic Services Laboratory, University of Chicago
Classification: Likely benign. Last evaluated: 2016-11-29. Review status: criteria provided, single submitter. Criteria: ACMG Guidelines, 2015. Collection method: clinical testing. Allele origin: germline. Affected: no.